The following is an entry in ClinVar:

NM_001035.3(RYR2):c.7630C>T (p.Leu2544Phe)

Gene: RYR2 (ryanodine receptor 2; plus strand). Cytogenetic location: 1q43.
Variant type: single nucleotide variant.
Coding change: c.7630C>T on transcript NM_001035.3 (MANE Select); coding-DNA position 7630, C replaced by T.
Protein change: p.Leu2544Phe; replaces leucine 2544 with phenylalanine.
Molecular consequence: missense variant.
Genome position (GRCh38, 1-based): chr1:237,649,994, C>T. VCF-style: chr1-237649994-C-T. GRCh37 (hg19) VCF-style: chr1-237813294-C-T.
Other names: short protein forms L2544F.
Identifiers: ClinVar variation 1759902 (VCV001759902.2), dbSNP rs2547037279, ClinGen allele CA345399224.
Genomic context (GRCh38, chr1:237,649,994, plus strand): 5'-GTCTTGCCATTGTTAACAAGATGTGCTCCTCTCTTTGCTGGCACAGAGCACCACGCTTCT[C>T]TCATTGACTCATTACTTCATACTGTGTATAGACTTTCTAAGGGCTGTTCACTTACCAAAG-3'
Protein context (NP_001026.2, residues 2534-2554): LFAGTEHHAS[Leu2544Phe]IDSLLHTVYR

ClinVar aggregate classification (germline): Uncertain significance (1 of 4 stars; one submission).

Conditions:
Cardiovascular phenotype. Identifiers: MedGen CN230736.

gnomAD v4.1: 1 of 1,614,012 alleles (0.000062%); highest among the groups gnomAD compares: South Asian, 0.0011%; no homozygotes.

Submission:

Ambry Genetics
Classification: Uncertain significance for Cardiovascular phenotype. Last evaluated: 2019-08-23. Review status: criteria provided, single submitter. Criteria: Ambry Variant Classification Scheme 2023. Collection method: clinical testing. Allele origin: germline.
Comment: The p.L2544F variant (also known as c.7630C>T), located in coding exon 50 of the RYR2 gene, results from a C to T substitution at nucleotide position 7630. The leucine at codon 2544 is replaced by phenylalanine, an amino acid with highly similar properties. This amino acid position is well conserved in available vertebrate species. In addition, the in silico prediction for this alteration is inconclusive. Since supporting evidence is limited at this time, the clinical significance of this alteration remains unclear.